The following is an entry in ClinVar:

ClinVar aggregate classification (germline): Likely benign. Review status: criteria provided, multiple submitters, no conflicts (2 of 4 stars). 3 submissions from 3 submitters: Likely benign (2). 1 of the submissions does not count toward it. Last evaluated 2026-03-01.

Conditions:
GNB1-related disorder. Also called: GNB1-related condition.

Allele frequency attached by ClinVar (database versions not stated): gnomAD exomes 0.00002 and 0.00010; ESP Exome Variant Server 0.00008; ExAC 0.00013; TOPMed 0.00015; gnomAD 0.00016 and 0.00017; 1000 Genomes Project 30x 0.00094; 1000 Genomes Project 0.00100.
gnomAD v4.1: 60 of 1,605,558 alleles (0.0037%); highest among the groups gnomAD compares: African/African-American, 0.051%; no homozygotes.

Submissions (3):

CeGaT Center for Human Genetics Tuebingen
Classification: Likely benign. Last evaluated: 2026-03-01. Review status: criteria provided, single submitter. Criteria: CeGaT Center For Human Genetics Tuebingen Variant Classification Criteria Version 2. Collection method: clinical testing. Allele origin: germline. Affected: yes. Observed: 1 variant allele.
Comment: GNB1: BP4, BP7

Labcorp Genetics (formerly Invitae), Labcorp
Classification: Likely benign. Last evaluated: 2026-01-13. Review status: criteria provided, single submitter. Criteria: Invitae Variant Classification Sherloc (09022015). Collection method: clinical testing. Allele origin: germline.

PreventionGenetics, part of Exact Sciences
Classification: Likely benign for GNB1-related condition. Last evaluated: 2024-03-11. Review status: no assertion criteria provided. Collection method: clinical testing. Allele origin: germline. Not counted in ClinVar's aggregate classification.
Comment: This variant is classified as likely benign based on ACMG/AMP sequence variant interpretation guidelines (Richards et al. 2015 PMID: 25741868, with internal and published modifications).

NM_002074.5(GNB1):c.210C>T (p.Leu70=)

Gene: GNB1 (G protein subunit beta 1; minus strand). Cytogenetic location: 1p36.33.
Variant type: single nucleotide variant.
Coding change: c.210C>T on transcript NM_002074.5 (MANE Select); coding-DNA position 210, C replaced by T.
Protein change: p.Leu70=; no amino-acid change (leucine 70 retained).
Molecular consequence: synonymous variant. On other transcripts: 5 prime UTR variant (1).
Genome position (GRCh38, 1-based): chr1:1,806,532, G>A on the plus strand (C>T on the coding strand, the complement: GNB1 is on the minus strand). VCF-style: chr1-1806532-G-A. GRCh37 (hg19) VCF-style: chr1-1737971-G-A.
Other names: c.-91C>T (NM_001282538.2); c.210C>T, p.Leu70= (NM_001282539.2).
Identifiers: ClinVar variation 748050 (VCV000748050.13), dbSNP rs149782013, ClinGen allele CA532091.